The following is an entry in ClinVar:

NM_003119.4(SPG7):c.1749G>C (p.Trp583Cys)

Gene: SPG7 (SPG7 matrix AAA peptidase subunit, paraplegin; plus strand). Cytogenetic location: 16q24.3.
Variant type: single nucleotide variant.
Coding change: c.1749G>C on transcript NM_003119.4 (MANE Select); coding-DNA position 1749, G replaced by C.
Protein change: p.Trp583Cys; replaces tryptophan 583 with cysteine.
Molecular consequence: missense variant.
Genome position (GRCh38, 1-based): chr16:89,550,579, G>C. VCF-style: chr16-89550579-G-C. GRCh37 (hg19) VCF-style: chr16-89616987-G-C.
Other names: c.1749G>C, p.Trp583Cys (NM_001363850.1); short protein forms W583C.
Identifiers: ClinVar variation 6820 (VCV000006820.49), dbSNP rs267607085, ClinGen allele CA253969.

ClinVar aggregate classification (germline): Pathogenic/Likely pathogenic. Review status: criteria provided, multiple submitters, no conflicts (2 of 4 stars). 8 submissions from 8 submitters: Pathogenic (4); Likely pathogenic (1). 3 of the submissions do not count toward it. Last evaluated 2023-01-20.

Conditions:
Hereditary ataxia. Also called: Hereditary Ataxias. Identifiers: Orphanet 183518, MedGen C0004138, MONDO:0100309, MONDO:0000557.
Hereditary spastic paraplegia 7 (SPG7). Also called: SPASTIC PARAPLEGIA 7, AUTOSOMAL RECESSIVE, WITH OR WITHOUT CEREBELLAR ATAXIA; Autosomal recessive spastic paraplegia type 7; Spastic paraplegia 7; Hereditary spastic paraplegia Paraplegin type; SPG7-related neurologic disorder. Identifiers: Orphanet 99013, MedGen C1846564, MONDO:0011803, OMIM 607259.

Submissions (8):

Institute of Medical Genetics and Applied Genomics, University Hospital Tübingen
Classification: Pathogenic for Hereditary spastic paraplegia 7. Last evaluated: 2023-01-20. Review status: criteria provided, single submitter. Criteria: ACMG Guidelines, 2015. Collection method: clinical testing. Allele origin: germline. Inheritance: Autosomal recessive inheritance.
Comment: second pathogenic variant identified

AURAGEN, Plan France Médecine Génomique
Classification: Pathogenic for Hereditary ataxia. Last evaluated: 2022-03-28. Review status: criteria provided, single submitter. Criteria: PFMG2025 (Lancet Reg Health Eur. 2025). Collection method: clinical testing. Allele origin: germline. Affected: yes.

PROSPAX: an integrated multimodal progression  chart in spastic ataxias, Center for Neurology; Hertie-Institute for Clinical Brain Research
Classification: Pathogenic for Hereditary spastic paraplegia 7. Last evaluated: 2022-01-01. Review status: criteria provided, single submitter. Criteria: ACMG Guidelines, 2015. Collection method: research. Allele origin: germline. Affected: yes. Observed: 3 variant alleles, 3 compound heterozygotes.

CeGaT Center for Human Genetics Tuebingen
Classification: Likely pathogenic. Last evaluated: 2016-08-01. Review status: criteria provided, single submitter. Criteria: CeGaT Center For Human Genetics Tuebingen Variant Classification Criteria Version 2. Collection method: clinical testing. Allele origin: germline. Affected: yes. Observed: 1 variant allele.

Paris Brain Institute, Inserm - ICM
Classification: Pathogenic for Hereditary spastic paraplegia 7. Review status: criteria provided, single submitter. Criteria: ACMG Guidelines, 2015. Collection method: clinical testing. Allele origin: unknown. Affected: yes. Observed: 2 variant alleles.

OMIM
Classification: Pathogenic for SPASTIC PARAPLEGIA 7, AUTOSOMAL RECESSIVE, WITH CEREBELLAR ATAXIA. Last evaluated: 2010-05-01. Review status: no assertion criteria provided. Collection method: literature only. Allele origin: germline. Not counted in ClinVar's aggregate classification.

Diagnostic Laboratory, Department of Genetics, University Medical Center Groningen
Classification: Pathogenic. Review status: no assertion criteria provided. Collection method: clinical testing. Allele origin: germline. Affected: yes. Study: VKGL Data-share Consensus. Not counted in ClinVar's aggregate classification.

Joint Genome Diagnostic Labs from Nijmegen and Maastricht, Radboudumc and MUMC+
Classification: Likely pathogenic. Review status: no assertion criteria provided. Collection method: clinical testing. Allele origin: germline. Affected: yes. Study: VKGL Data-share Consensus. Not counted in ClinVar's aggregate classification.

Literature cited by the submitters: PubMed 20186691 (cited by OMIM).